The following is an entry in ClinVar:

ClinVar aggregate classification (germline): Uncertain significance (1 of 4 stars; one submission).

Conditions:
Cowden syndrome (CS). Also called: Cowden's disease; Cowden's syndrome; Cowden disease. Identifiers: Orphanet 201, MedGen C0018553, MONDO:0016063. Disease mechanism: gain of function.

Submission:

Labcorp Genetics (formerly Invitae), Labcorp
Classification: Uncertain significance for Cowden syndrome. Last evaluated: 2021-12-05. Review status: criteria provided, single submitter. Criteria: Invitae Variant Classification Sherloc (09022015). Collection method: clinical testing. Allele origin: germline.
Comment: This variant is not present in population databases (gnomAD no frequency). This sequence change replaces methionine, which is neutral and non-polar, with valine, which is neutral and non-polar, at codon 820 of the PIK3CA protein (p.Met820Val). In summary, the available evidence is currently insufficient to determine the role of this variant in disease. Therefore, it has been classified as a Variant of Uncertain Significance. Algorithms developed to predict the effect of missense changes on protein structure and function are either unavailable or do not agree on the potential impact of this missense change (SIFT: "Deleterious"; PolyPhen-2: "Benign"; Align-GVGD: "Class C15"). This variant has not been reported in the literature in individuals affected with PIK3CA-related conditions.

NM_006218.4(PIK3CA):c.2458A>G (p.Met820Val)

Gene: PIK3CA (phosphatidylinositol-4,5-bisphosphate 3-kinase catalytic subunit alpha; plus strand). Cytogenetic location: 3q26.32.
Variant type: single nucleotide variant.
Coding change: c.2458A>G on transcript NM_006218.4 (MANE Select); coding-DNA position 2458, A replaced by G.
Protein change: p.Met820Val; replaces methionine 820 with valine.
Molecular consequence: missense variant.
Genome position (GRCh38, 1-based): chr3:179,226,003, A>G. VCF-style: chr3-179226003-A-G. GRCh37 (hg19) VCF-style: chr3-178943791-A-G.
Other names: short protein forms M820V.
Identifiers: ClinVar variation 1480032 (VCV001480032.6), dbSNP rs2108419521, ClinGen allele CA355274353.
Genomic context (GRCh38, chr3:179,226,003, plus strand): 5'-CATATTATTTGAATTTCAGATTTACGGCAAGATATGCTAACACTTCAAATTATTCGTATT[A>G]TGGAAAATATCTGGCAAAATCAAGGTCTTGATCTTCGGTAGGTAACCAGTAAGGCAACCT-3'
Protein context (NP_006209.2, residues 810-830): DMLTLQIIRI[Met820Val]ENIWQNQGLD